The following is an entry in ClinVar:

ClinVar aggregate classification (germline): Uncertain significance. Review status: criteria provided, multiple submitters, no conflicts (2 of 4 stars). 4 submissions from 4 submitters: Uncertain significance (4). Last evaluated 2026-03-09.

Conditions:
RELN-related disorder. Also called: RELN-related condition.
Norman-Roberts syndrome (LIS2). Also called: Lissencephaly 2 (Norman-Roberts type). Identifiers: Orphanet 89844, MedGen C0796089, MONDO:0009760, OMIM 257320.
Familial temporal lobe epilepsy 7. Identifiers: Orphanet 101046, MedGen C4225327, MONDO:0014639, OMIM 616436.
Inborn genetic diseases. Identifiers: MedGen C0950123, MeSH D030342.

Allele frequency attached by ClinVar (database versions not stated): TOPMed below 0.00001; gnomAD 0.00001.
gnomAD v4.1: 1 of 1,613,822 alleles (0.000062%); highest among the groups gnomAD compares: Non-Finnish European, 0.000085%; no homozygotes.

Submissions (4):

PreventionGenetics, part of Exact Sciences
Classification: Uncertain significance for RELN-related condition. Last evaluated: 2026-03-09. Review status: criteria provided, single submitter. Criteria: ACMG Guidelines, 2015. Collection method: clinical testing. Allele origin: germline.
Comment: The RELN c.1435G>T variant is predicted to result in the amino acid substitution p.Val479Leu. To our knowledge, this variant has not been reported in the literature. This variant is reported in 0.0065% of alleles in individuals of European (Non-Finnish) descent in gnomAD. At this time, the clinical significance of this variant is uncertain due to the absence of conclusive functional and genetic evidence.

Ambry Genetics
Classification: Uncertain significance for Inborn genetic diseases. Last evaluated: 2023-06-07. Review status: criteria provided, single submitter. Criteria: Ambry Variant Classification Scheme 2023. Collection method: clinical testing. Allele origin: germline.

Labcorp Genetics (formerly Invitae), Labcorp
Classification: Uncertain significance for Familial temporal lobe epilepsy 7; Norman-Roberts syndrome. Last evaluated: 2022-08-15. Review status: criteria provided, single submitter. Criteria: Invitae Variant Classification Sherloc (09022015). Collection method: clinical testing. Allele origin: germline.
Comment: This variant has not been reported in the literature in individuals affected with RELN-related conditions. This variant is present in population databases (no rsID available, gnomAD 0.007%). This sequence change replaces valine, which is neutral and non-polar, with leucine, which is neutral and non-polar, at codon 479 of the RELN protein (p.Val479Leu). ClinVar contains an entry for this variant (Variation ID: 944838). In summary, the available evidence is currently insufficient to determine the role of this variant in disease. Therefore, it has been classified as a Variant of Uncertain Significance. Algorithms developed to predict the effect of missense changes on protein structure and function (SIFT, PolyPhen-2, Align-GVGD) all suggest that this variant is likely to be tolerated.

GeneDx
Classification: Uncertain significance. Last evaluated: 2019-03-20. Review status: criteria provided, single submitter. Criteria: GeneDx Variant Classification Process June 2021. Collection method: clinical testing. Allele origin: germline. Affected: yes.
Comment: Not observed at a significant frequency in large population cohorts (Lek et al., 2016); In silico analysis, which includes protein predictors and evolutionary conservation, supports that this variant does not alter protein structure/function; Has not been previously published as pathogenic or benign to our knowledge

NM_005045.4(RELN):c.1435G>T (p.Val479Leu)

Genes: RELN (reelin; minus strand), LOC126860131 (MED14-independent group 3 enhancer GRCh37_chr7:103301048-103302247; plus strand). Cytogenetic location: 7q22.1.
Variant type: single nucleotide variant.
Coding change: c.1435G>T on transcript NM_005045.4 (MANE Select); coding-DNA position 1435, G replaced by T.
Protein change: p.Val479Leu; replaces valine 479 with leucine.
Molecular consequence: missense variant.
Genome position (GRCh38, 1-based): chr7:103,661,382, C>A on the plus strand (G>T on the coding strand, the complement: RELN is on the minus strand). VCF-style: chr7-103661382-C-A. GRCh37 (hg19) VCF-style: chr7-103301829-C-A.
Other names: c.1435G>T, p.Val479Leu (NM_173054.3); short protein forms V479L.
Identifiers: ClinVar variation 944838 (VCV000944838.14), dbSNP rs1220962945, ClinGen allele CA368767961.